The following is an entry in ClinVar:

ClinVar aggregate classification (germline): Uncertain significance (1 of 4 stars; one submission).

Conditions:
Neurofibromatosis, type 2 (SWNV). Also called: BILATERAL ACOUSTIC NEUROFIBROMATOSIS; SCHWANNOMATOSIS, VESTIBULAR; NF2-Related Schwannomatosis. Identifiers: Orphanet 637, MedGen C0027832, MONDO:0007039, OMIM 101000. Disease mechanism: loss of function.

Submission:

Labcorp Genetics (formerly Invitae), Labcorp
Classification: Uncertain significance for Neurofibromatosis, type 2. Last evaluated: 2024-03-08. Review status: criteria provided, single submitter. Criteria: Invitae Variant Classification Sherloc (09022015). Collection method: clinical testing. Allele origin: germline.
Comment: This variant, c.1447_1448insATGAACCATTAA, is a complex sequence change that results in the deletion of 1 and insertion of 5 amino acid(s) in the NF2 protein (p.Pro483delinsHisGluProLeuThr). This variant is not present in population databases (gnomAD no frequency). This variant has not been reported in the literature in individuals affected with NF2-related conditions. In summary, the available evidence is currently insufficient to determine the role of this variant in disease. Therefore, it has been classified as a Variant of Uncertain Significance.

NM_000268.4(NF2):c.1447_1448insATGAACCATTAA (p.Pro483delinsHisGluProLeuThr)

Gene: NF2 (NF2, moesin-ezrin-radixin like (MERLIN) tumor suppressor; plus strand). Cytogenetic location: 22q12.2.
Variant type: Insertion.
Coding change: c.1447_1448insATGAACCATTAA on transcript NM_000268.4 (MANE Select); coding-DNA positions 1447 to 1448, ATGAACCATTAA inserted.
Protein change: p.Pro483delinsHisGluProLeuThr.
Molecular consequence: inframe indel. On other transcripts: non-coding transcript variant (1), intron variant (1).
Genome position: GRCh38 VCF-style: chr22-29678196-C-CATGAACCATTAA. GRCh37 (hg19) VCF-style: chr22-30074185-C-CATGAACCATTAA.
Other names: c.1333_1334insATGAACCATTAA, p.Pro445delinsHisGluProLeuThr (NM_001407053.1, NM_001407056.1); c.1324_1325insATGAACCATTAA, p.Pro442delinsHisGluProLeuThr (NM_001407054.1, NM_001407058.1, NM_181829.3); c.1321_1322insATGAACCATTAA, p.Pro441delinsHisGluProLeuThr (NM_001407055.1, NM_181828.3); c.1312_1313insATGAACCATTAA, p.Pro438delinsHisGluProLeuThr (NM_001407057.1, NM_001407059.1); c.1447_1448insATGAACCATTAA, p.Pro483delinsHisGluProLeuThr (NM_001407060.1, NM_001407066.1, NM_016418.5 and 2 more transcripts); c.1189_1190insATGAACCATTAA, p.Pro397delinsHisGluProLeuThr (NM_001407062.1); c.1198_1199insATGAACCATTAA, p.Pro400delinsHisGluProLeuThr (NM_001407063.1, NM_001407064.1, NM_181830.3 and 1 more transcripts); c.913_914insATGAACCATTAA, p.Pro305delinsHisGluProLeuThr (NM_001407065.1); and 2 more.
Identifiers: ClinVar variation 3626369 (VCV003626369.2).